The following is an entry in ClinVar:

NM_000257.4(MYH7):c.3424G>A (p.Glu1142Lys)

Gene: MYH7 (myosin heavy chain 7; minus strand). Cytogenetic location: 14q11.2.
Variant type: single nucleotide variant.
Coding change: c.3424G>A on transcript NM_000257.4 (MANE Select); coding-DNA position 3424, G replaced by A.
Protein change: p.Glu1142Lys; replaces glutamic acid 1142 with lysine.
Molecular consequence: missense variant.
Genome position (GRCh38, 1-based): chr14:23,420,147, C>T on the plus strand (G>A on the coding strand, the complement: MYH7 is on the minus strand). VCF-style: chr14-23420147-C-T. GRCh37 (hg19) VCF-style: chr14-23889356-C-T.
Other names: p.E1142K:GAG>AAG; c.3424G>A (LRG_384t1); short protein forms E1142K.
Identifiers: ClinVar variation 181222 (VCV000181222.6), dbSNP rs730880774, ClinGen allele CA013692.

ClinVar aggregate classification (germline): Uncertain significance. Review status: criteria provided, multiple submitters, no conflicts (2 of 4 stars). 2 submissions from 2 submitters: Uncertain significance (2). Last evaluated 2023-08-11.

Conditions:
Hypertrophic cardiomyopathy. Also called: HYPERTROPHIC MYOCARDIOPATHY. Identifiers: Orphanet 217569, MedGen C0007194, MeSH D002312, MONDO:0005045, HP:0001639.

Submissions (2):

Labcorp Genetics (formerly Invitae), Labcorp
Classification: Uncertain significance for Hypertrophic cardiomyopathy. Last evaluated: 2023-08-11. Review status: criteria provided, single submitter. Criteria: Invitae Variant Classification Sherloc (09022015). Collection method: clinical testing. Allele origin: germline.
Comment: This missense change has been observed in individual(s) with congenital heart disease and/or hypertrophic cardiomyopathy (PMID: 25132132, 35491958). ClinVar contains an entry for this variant (Variation ID: 181222). Advanced modeling of protein sequence and biophysical properties (such as structural, functional, and spatial information, amino acid conservation, physicochemical variation, residue mobility, and thermodynamic stability) performed at Invitae indicates that this missense variant is expected to disrupt MYH7 protein function. In summary, the available evidence is currently insufficient to determine the role of this variant in disease. Therefore, it has been classified as a Variant of Uncertain Significance. This sequence change replaces glutamic acid, which is acidic and polar, with lysine, which is basic and polar, at codon 1142 of the MYH7 protein (p.Glu1142Lys). This variant is not present in population databases (gnomAD no frequency).

GeneDx
Classification: Uncertain significance. Last evaluated: 2021-03-05. Review status: criteria provided, single submitter. Criteria: GeneDx Variant Classification Process June 2021. Collection method: clinical testing. Allele origin: germline. Affected: yes.
Comment: Not observed in large population cohorts (Lek et al., 2016); In silico analysis supports that this missense variant has a deleterious effect on protein structure/function; This variant is associated with the following publications: (PMID: 25132132)

Literature cited by the submitters: PubMed 25132132 (cited by Labcorp Genetics (formerly Invitae), Labcorp); PubMed 35491958 (cited by Labcorp Genetics (formerly Invitae), Labcorp).